The following is an entry in ClinVar:

NM_020207.7(ERCC6L2):c.2666A>G (p.His889Arg)

Gene: ERCC6L2 (ERCC excision repair 6 like 2; plus strand). Cytogenetic location: 9q22.32.
Variant type: single nucleotide variant.
Coding change: c.2666A>G on transcript NM_020207.7 (MANE Select); coding-DNA position 2666, A replaced by G.
Protein change: p.His889Arg; replaces histidine 889 with arginine.
Molecular consequence: missense variant. On other transcripts: non-coding transcript variant (1).
Genome position (GRCh38, 1-based): chr9:95,972,417, A>G. VCF-style: chr9-95972417-A-G. GRCh37 (hg19) VCF-style: chr9-98734699-A-G.
Other names: c.2666A>G, p.His889Arg (NM_001375291.1, NM_001375292.1, NM_001375293.1 and 1 more transcripts); short protein forms H889R.
Identifiers: ClinVar variation 1916028 (VCV001916028.5), dbSNP rs1246831783, ClinGen allele CA589285377.

ClinVar aggregate classification (germline): Uncertain significance (1 of 4 stars; one submission).

Allele frequency attached by ClinVar (database versions not stated): gnomAD 0.00001; TOPMed 0.00001.
gnomAD v4.1: 9 of 1,278,182 alleles (0.0007%); highest among the groups gnomAD compares: East Asian, 0.033%; no homozygotes.

Submission:

Labcorp Genetics (formerly Invitae), Labcorp
Classification: Uncertain significance. Last evaluated: 2025-12-30. Review status: criteria provided, single submitter. Criteria: Invitae Variant Classification Sherloc (09022015). Collection method: clinical testing. Allele origin: germline.
Comment: This sequence change replaces histidine, which is basic and polar, with arginine, which is basic and polar, at codon 900 of the ERCC6L2 protein (p.His900Arg). This variant is present in population databases (no rsID available, gnomAD 0.04%). This variant has not been reported in the literature in individuals affected with ERCC6L2-related conditions. ClinVar contains an entry for this variant (Variation ID: 1916028). Experimental studies and prediction algorithms are not available or were not evaluated, and the functional significance of this variant is currently unknown. In summary, the available evidence is currently insufficient to determine the role of this variant in disease. Therefore, it has been classified as a Variant of Uncertain Significance.